The following is an entry in ClinVar:

NM_000136.3(FANCC):c.1530C>T (p.Thr510=)

Genes: AOPEP (aminopeptidase O (putative); plus strand), FANCC (FA complementation group C; minus strand). Cytogenetic location: 9q22.32.
Variant type: single nucleotide variant.
Coding change: c.1530C>T on transcript NM_000136.3 (MANE Select); coding-DNA position 1530, C replaced by T.
Protein change: p.Thr510=; no amino-acid change (threonine 510 retained).
Molecular consequence: synonymous variant.
Genome position (GRCh38, 1-based): chr9:95,107,069, G>A on the plus strand (C>T on the coding strand, the complement: FANCC is on the minus strand). VCF-style: chr9-95107069-G-A. GRCh37 (hg19) VCF-style: chr9-97869351-G-A.
Other names: c.1530C>T, p.Thr510= (NM_001243743.2).
Identifiers: ClinVar variation 415741 (VCV000415741.32), dbSNP rs372199352, ClinGen allele CA5137320.
Genomic context (GRCh38, chr9:95,107,069, plus strand): 5'-CACCTCTCGCCTGGAGCAGAAATGAGTACTAGGATGCTGGACCACAGGGAGACTTACCAG[G>A]GTGATGACATCCCAGGCGATCGTGTGGCCTCCAGGAGCCCAGAGCAGGAAGTTGAGGAGA-3'
Protein context (NP_000127.2, residues 500-520): GGHTIAWDVI[Thr510=]LMAHTAEITH

ClinVar aggregate classification (germline): Benign/Likely benign. Review status: criteria provided, multiple submitters, no conflicts (2 of 4 stars). 6 submissions from 6 submitters: Benign (1); Likely benign (4). 1 of the submissions does not count toward it. Last evaluated 2025-07-28.

Conditions:
Hereditary cancer-predisposing syndrome. Also called: Tumor predisposition; Hereditary neoplastic syndrome; Hereditary Cancer Syndrome; Neoplastic Syndromes, Hereditary. Identifiers: Orphanet 140162, MedGen C0027672, MeSH D009386, MONDO:0015356.
Fanconi anemia (FA). Also called: Fanconi's anemia. Identifiers: Orphanet 84, MedGen C0015625, MeSH D005199, MONDO:0019391.

Allele frequency attached by ClinVar (database versions not stated): gnomAD exomes below 0.00001 and 0.00001; ExAC 0.00001; gnomAD 0.00001; TOPMed 0.00002; ESP Exome Variant Server 0.00008.
gnomAD v4.1: 8 of 1,614,028 alleles (0.0005%); highest among the groups gnomAD compares: African/African-American, 0.0013%; no homozygotes.

Submissions (6):

Labcorp Genetics (formerly Invitae), Labcorp
Classification: Likely benign for Fanconi anemia. Last evaluated: 2025-07-28. Review status: criteria provided, single submitter. Criteria: Invitae Variant Classification Sherloc (09022015). Collection method: clinical testing. Allele origin: germline.

CeGaT Center for Human Genetics Tuebingen
Classification: Likely benign. Last evaluated: 2025-03-01. Review status: criteria provided, single submitter. Criteria: CeGaT Center For Human Genetics Tuebingen Variant Classification Criteria Version 2. Collection method: clinical testing. Allele origin: germline. Affected: yes. Observed: 1 variant allele.
Comment: FANCC: BP4, BP7

Sema4
Classification: Likely benign for Fanconi anemia. Last evaluated: 2021-04-01. Review status: criteria provided, single submitter. Criteria: Sema4 Curation Guidelines. Collection method: curation. Allele origin: germline.

Ambry Genetics
Classification: Likely benign for Hereditary cancer-predisposing syndrome. Last evaluated: 2017-05-12. Review status: criteria provided, single submitter. Criteria: Ambry Variant Classification Scheme 2023. Collection method: clinical testing. Allele origin: germline.

GeneDx
Classification: Benign. Last evaluated: 2015-03-03. Review status: criteria provided, single submitter. Criteria: GeneDx Variant Classification Process June 2021. Collection method: clinical testing. Allele origin: germline. Affected: yes.

Natera, Inc.
Classification: Likely benign for Fanconi anemia. Last evaluated: 2020-11-10. Review status: no assertion criteria provided. Collection method: clinical testing. Allele origin: germline. Not counted in ClinVar's aggregate classification.